The following is an entry in ClinVar:

ClinVar aggregate classification (germline): Uncertain significance (1 of 4 stars; one submission).

Submission:

Ambry Genetics
Classification: Uncertain significance. Last evaluated: 2024-06-08. Review status: criteria provided, single submitter. Criteria: Ambry Variant Classification Scheme 2023. Collection method: clinical testing. Allele origin: germline.
Comment: The p.K1213R variant (also known as c.3638A>G), located in coding exon 31 of the PRKDC gene, results from an A to G substitution at nucleotide position 3638. The lysine at codon 1213 is replaced by arginine, an amino acid with highly similar properties. This amino acid position is conserved. In addition, this alteration is predicted to be tolerated by in silico analysis. Based on the available evidence, the clinical significance of this variant remains unclear.

NM_006904.7(PRKDC):c.3638A>G (p.Lys1213Arg)

Gene: PRKDC (protein kinase, DNA-activated, catalytic subunit; minus strand). Cytogenetic location: 8q11.21.
Variant type: single nucleotide variant.
Coding change: c.3638A>G on transcript NM_006904.7 (MANE Select); coding-DNA position 3638, A replaced by G.
Protein change: p.Lys1213Arg; replaces lysine 1213 with arginine.
Molecular consequence: missense variant.
Genome position (GRCh38, 1-based): chr8:47,893,348, T>C on the plus strand (A>G on the coding strand, the complement: PRKDC is on the minus strand). VCF-style: chr8-47893348-T-C. GRCh37 (hg19) VCF-style: chr8-48805908-T-C.
Other names: c.3638A>G, p.Lys1213Arg (NM_001081640.2); short protein forms K1213R.
Identifiers: ClinVar variation 3310038 (VCV003310038.1).